The following is an entry in ClinVar:

ClinVar aggregate classification (germline): Uncertain significance (1 of 4 stars; one submission).

Submission:

Labcorp Genetics (formerly Invitae), Labcorp
Classification: Uncertain significance. Last evaluated: 2024-12-12. Review status: criteria provided, single submitter. Criteria: Invitae Variant Classification Sherloc (09022015). Collection method: clinical testing. Allele origin: germline.
Comment: This sequence change replaces glycine, which is neutral and non-polar, with cysteine, which is neutral and slightly polar, at codon 525 of the CLCN7 protein (p.Gly525Cys). This variant is not present in population databases (gnomAD no frequency). This variant has not been reported in the literature in individuals affected with CLCN7-related conditions. Invitae Evidence Modeling of protein sequence and biophysical properties (such as structural, functional, and spatial information, amino acid conservation, physicochemical variation, residue mobility, and thermodynamic stability) indicates that this missense variant is expected to disrupt CLCN7 protein function with a positive predictive value of 95%. In summary, the available evidence is currently insufficient to determine the role of this variant in disease. Therefore, it has been classified as a Variant of Uncertain Significance.

NM_001287.6(CLCN7):c.1573G>T (p.Gly525Cys)

Gene: CLCN7 (chloride voltage-gated channel 7; minus strand). Cytogenetic location: 16p13.3.
Variant type: single nucleotide variant.
Coding change: c.1573G>T on transcript NM_001287.6 (MANE Select); coding-DNA position 1573, G replaced by T.
Protein change: p.Gly525Cys; replaces glycine 525 with cysteine.
Molecular consequence: missense variant.
Genome position (GRCh38, 1-based): chr16:1,450,541, C>A on the plus strand (G>T on the coding strand, the complement: CLCN7 is on the minus strand). VCF-style: chr16-1450541-C-A. GRCh37 (hg19) VCF-style: chr16-1500542-C-A.
Other names: c.1501G>T, p.Gly501Cys (NM_001114331.3); short protein forms G501C, G525C.
Identifiers: ClinVar variation 3612556 (VCV003612556.2).
Genomic context (GRCh38, chr16:1,450,541, plus strand): 5'-CTCCGGCCCCACTCACCGCCGCCCCCGTGAGGTAGGACAGGGAGATCCCAAAGAGCCGGC[C>A]CCAGGCAGCCCCGATGAGCAGGGACGGGATGAAGACCCCGGCAGACACCGTGAGCCCGTA-3'
Protein context (NP_001278.1, residues 515-535): IPSLLIGAAW[Gly525Cys]RLFGISLSYL